The following is an entry in ClinVar:

NM_001348800.3(ZBTB20):c.323T>A (p.Val108Glu)

Gene: ZBTB20 (zinc finger and BTB domain containing 20; minus strand). Cytogenetic location: 3q13.31.
Variant type: single nucleotide variant.
Coding change: c.323T>A on transcript NM_001348800.3 (MANE Select); coding-DNA position 323, T replaced by A.
Protein change: p.Val108Glu; replaces valine 108 with glutamic acid.
Molecular consequence: missense variant.
Genome position (GRCh38, 1-based): chr3:114,351,755, A>T on the plus strand (T>A on the coding strand, the complement: ZBTB20 is on the minus strand). VCF-style: chr3-114351755-A-T. GRCh37 (hg19) VCF-style: chr3-114070602-A-T.
Other names: c.323T>A, p.Val108Glu (NM_001164342.2, NM_001348803.3, NM_001393393.1 and 1 more transcripts); c.104T>A, p.Val35Glu (NM_001164343.2, NM_001164344.4, NM_001164345.4 and 9 more transcripts); short protein forms V108E, V35E.
Identifiers: ClinVar variation 1307460 (VCV001307460.2), dbSNP rs2108212352, ClinGen allele CA354017374.
Genomic context (GRCh38, chr3:114,351,755, plus strand): 5'-AAGGGGCTGCCGGCTGCCAGCACGCAGCGGTGTGCGCGCAGCATGCTCCCGTGGATGCGC[A>T]CCGTTACGTCACAGAAGTGGCCACGGTTGCGCTGCTCGTTGAGGGTCTCGAGCACGGAAT-3'
Protein context (NP_001335729.1, residues 98-118): RNRGHFCDVT[Val108Glu]RIHGSMLRAH

ClinVar aggregate classification (germline): Uncertain significance (1 of 4 stars; one submission).

Submission:

GeneDx
Classification: Uncertain significance. Last evaluated: 2019-08-01. Review status: criteria provided, single submitter. Criteria: GeneDx Variant Classification Process June 2021. Collection method: clinical testing. Allele origin: germline. Affected: yes.
Comment: Not observed in large population cohorts (Lek et al., 2016); In silico analysis, which includes protein predictors and evolutionary conservation, supports a deleterious effect; Has not been previously published as pathogenic or benign to our knowledge